The following is an entry in ClinVar:

NM_001845.6(COL4A1):c.2893A>C (p.Lys965Gln)

Gene: COL4A1 (collagen type IV alpha 1 chain; minus strand). Cytogenetic location: 13q34.
Variant type: single nucleotide variant.
Coding change: c.2893A>C on transcript NM_001845.6 (MANE Select); coding-DNA position 2893, A replaced by C.
Protein change: p.Lys965Gln; replaces lysine 965 with glutamine.
Molecular consequence: missense variant.
Genome position (GRCh38, 1-based): chr13:110,176,701, T>G on the plus strand (A>C on the coding strand, the complement: COL4A1 is on the minus strand). VCF-style: chr13-110176701-T-G. GRCh37 (hg19) VCF-style: chr13-110829048-T-G.
Other names: short protein forms K965Q.
Identifiers: ClinVar variation 1491853 (VCV001491853.6), dbSNP rs2139162744, ClinGen allele CA388666411.

ClinVar aggregate classification (germline): Uncertain significance (1 of 4 stars; one submission).

Submission:

Labcorp Genetics (formerly Invitae), Labcorp
Classification: Uncertain significance. Last evaluated: 2024-01-22. Review status: criteria provided, single submitter. Criteria: Invitae Variant Classification Sherloc (09022015). Collection method: clinical testing. Allele origin: germline.
Comment: This sequence change replaces lysine, which is basic and polar, with glutamine, which is neutral and polar, at codon 965 of the COL4A1 protein (p.Lys965Gln). This variant is not present in population databases (gnomAD no frequency). This variant has not been reported in the literature in individuals affected with COL4A1-related conditions. ClinVar contains an entry for this variant (Variation ID: 1491853). An algorithm developed to predict the effect of missense changes on protein structure and function (PolyPhen-2) suggests that this variant is likely to be disruptive. In summary, the available evidence is currently insufficient to determine the role of this variant in disease. Therefore, it has been classified as a Variant of Uncertain Significance.